The following is an entry in ClinVar:

NM_007294.4(BRCA1):c.4818del (p.Val1607fs)

Gene: BRCA1 (BRCA1 DNA repair associated; minus strand). Cytogenetic location: 17q21.31.
Variant type: Deletion.
Coding change: c.4818del on transcript NM_007294.4 (MANE Select); coding-DNA position 4818, one base deleted (A; older notation c.4818delA).
Protein change: p.Val1607fs; shifts the reading frame from valine 1607.
Molecular consequence: frameshift variant. On other transcripts: non-coding transcript variant (1).
Genome position (GRCh38, 1-based): chr17:43,071,096, T deleted on the plus strand (A on the coding strand, the reverse complement: BRCA1 is on the minus strand); the first of 3 consecutive T bases (chr17:43,071,096-43,071,098); deleting any one gives the same sequence. VCF-style (leftmost placement, unchanged base first): chr17-43071095-CT-C. GRCh37 (hg19) VCF-style: chr17-41223112-CT-C.
Other names: c.4672delA, p.Val1559Leufs (NM_001407737.1, NM_001407738.1, NM_001407739.1 and 21 more transcripts); c.4669delA, p.Val1558Leufs (NM_001407838.1, NM_001407839.1, NM_001407841.1 and 12 more transcripts); c.4816delA, p.Val1607Leufs (NM_001407854.1, NM_001407593.1, NM_001407594.1 and 8 more transcripts); c.4813delA, p.Val1606Leufs (NM_001407858.1, NM_001407859.1, NM_001407860.1 and 17 more transcripts); c.4810delA, p.Val1605Leufs (NM_001407861.1, NM_001407627.1, NM_001407628.1 and 14 more transcripts); c.4615delA, p.Val1540Leufs (NM_001407862.1); c.4690delA, p.Val1565Leufs (NM_001407863.1, NM_001407939.1, NM_001407940.1 and 11 more transcripts); c.4609delA, p.Val1538Leufs (NM_001407874.1, NM_001407875.1); and 74 more; short protein forms V1560fs, V503fs, V1607fs, V1628fs.
Identifiers: ClinVar variation 495093 (VCV000495093.4), dbSNP rs1555580883, ClinGen allele CA658684115.
Genomic context (GRCh38, chr17:43,071,095, plus strand): 5'-CATTATACCCAGCAGTATCAGTAGTATGAGCAGCAGCTGGACTCTGGGCAGATTCTGCAA[CT>C]TTCAATTGGGGAACTTTCAATGCAGAGGTTGAAGATGGTATGTTGCCAACACGAGCTGAC-3'

ClinVar aggregate classification (germline): Pathogenic. Review status: criteria provided, single submitter (1 of 4 stars). 2 submissions from 2 submitters: Pathogenic (1). 1 of the submissions does not count toward it. Last evaluated 2020-01-01.

Conditions:
Familial cancer of breast. Also called: hereditary breast carcinoma; BREAST CANCER, FAMILIAL; Hereditary breast cancer. Identifiers: Orphanet 227535, MedGen C0346153, MONDO:0016419, OMIM 114480. Disease mechanism: loss of function.
Breast carcinoma. Also called: Carcinoma of breast. Identifiers: MedGen C0678222, MONDO:0004989, HP:0003002.

Submissions (2):

GeneKor MSA
Classification: Pathogenic for Hereditary Breast Carcinoma. Last evaluated: 2020-01-01. Review status: criteria provided, single submitter. Criteria: ACMG Guidelines, 2015. Collection method: clinical testing. Allele origin: germline. Affected: yes.
Comment: This variant is a single base pair deletion from exon 15 of the BRCA1 mRNA, causing a frameshift after codon 1607 and this creates a premature translational stop signal 26 amino acid residues later. This is expected to result in an absent or disrupted protein product. Truncating variants in BRCA1 are known to be pathogenic (PMID: 20104584). This variant has been described in the international literature in individuals undergoing panel testing for hereditary syndrome (PMID: 31159747).

Medical Genetics Laboratory, Umraniye Training and Research Hospital, University of Health Sciences
Classification: Pathogenic for Breast carcinoma. Last evaluated: 2021-08-08. Review status: no assertion criteria provided. Collection method: clinical testing. Allele origin: germline. Inheritance: Autosomal dominant inheritance. Affected: yes. Observed: 1 variant allele, 1 heterozygote. Not counted in ClinVar's aggregate classification.
Comment: Diagnosis: Breast Cancer Pathology: Invasive Ductal Carcinoma IHC: ER:+, PR:+ , HER2:+, KI67:%20